The following is an entry in ClinVar:

NM_014921.5(ADGRL1):c.1634C>T (p.Ala545Val)

Genes: ADGRL1 (adhesion G protein-coupled receptor L1; minus strand), ADGRL1-AS1 (ADGRL1 antisense RNA 1; plus strand). Cytogenetic location: 19p13.12.
Variant type: single nucleotide variant.
Coding change: c.1634C>T on transcript NM_014921.5 (MANE Select); coding-DNA position 1634, C replaced by T.
Protein change: p.Ala545Val; replaces alanine 545 with valine.
Molecular consequence: missense variant.
Genome position (GRCh38, 1-based): chr19:14,160,278, G>A on the plus strand (C>T on the coding strand, the complement: ADGRL1 is on the minus strand). VCF-style: chr19-14160278-G-A. GRCh37 (hg19) VCF-style: chr19-14271090-G-A.
Other names: c.1649C>T, p.Ala550Val (NM_001008701.3); short protein forms A545V, A550V.
Identifiers: ClinVar variation 3768972 (VCV003768972.1).

ClinVar aggregate classification (germline): Uncertain significance (1 of 4 stars; one submission).

gnomAD v4.1: 5 of 1,592,158 alleles (0.00031%); highest among the groups gnomAD compares: African/African-American, 0.0027%; no homozygotes.

Submission:

Women's Health and Genetics/Laboratory Corporation of America, LabCorp
Classification: Uncertain significance. Last evaluated: 2025-02-27. Review status: criteria provided, single submitter. Criteria: LabCorp Variant Classification Summary - May 2015. Collection method: clinical testing. Allele origin: germline.
Comment: Variant summary: ADGRL1 c.1649C>T (p.Ala550Val) results in a non-conservative amino acid change in the encoded protein sequence. Two of three in-silico tools predict a damaging effect of the variant on protein function. The variant was absent in 246018 control chromosomes (gnomAD). The available data on variant occurrences in the general population are insufficient to allow any conclusion about variant significance. To our knowledge, no occurrence of c.1649C>T in individuals affected with Developmental Delay, Behavioral Abnormalities, And Neuropsychiatric Disorders and no experimental evidence demonstrating its impact on protein function have been reported. No submitters have cited clinical-significance assessments for this variant to ClinVar. Based on the evidence outlined above, the variant was classified as uncertain significance.